The following is an entry in ClinVar:

ClinVar aggregate classification (germline): Conflicting classifications of pathogenicity. Review status: criteria provided, conflicting classifications (1 of 4 stars). 5 submissions from 5 submitters: Uncertain significance (4); Likely benign (1). Last evaluated 2026-02-10.

Conditions:
Inborn genetic diseases. Identifiers: MedGen C0950123, MeSH D030342.
Intellectual disability. Also called: Intellectual developmental disorder; Intellectual functioning disability; intellectual disabilities. Identifiers: MedGen C3714756, MeSH D008607, MONDO:0001071, HP:0001249.
NTRK2-related disorder. Also called: NTRK2-related condition.

Allele frequency attached by ClinVar (database versions not stated): ExAC 0.00001; TOPMed 0.00001; gnomAD exomes 0.00003 and 0.00006.
gnomAD v4.1: 80 of 1,614,204 alleles (0.005%); highest among the groups gnomAD compares: Non-Finnish European, 0.0065%; no homozygotes.

Submissions (5):

PreventionGenetics, part of Exact Sciences
Classification: Uncertain significance for NTRK2-related condition. Last evaluated: 2026-02-10. Review status: criteria provided, single submitter. Criteria: ACMG Guidelines, 2015. Collection method: clinical testing. Allele origin: germline.
Comment: The NTRK2 c.969A>G variant is predicted to result in the amino acid substitution p.Ile323Met. To our knowledge, this variant has not been reported in the literature. This variant is reported in 0.0053% of alleles in individuals of European (Non-Finnish) descent in gnomAD. At this time, the clinical significance of this variant is uncertain due to the absence of conclusive functional and genetic evidence.

Labcorp Genetics (formerly Invitae), Labcorp
Classification: Uncertain significance. Last evaluated: 2025-07-15. Review status: criteria provided, single submitter. Criteria: Invitae Variant Classification Sherloc (09022015). Collection method: clinical testing. Allele origin: germline.
Comment: This sequence change replaces isoleucine, which is neutral and non-polar, with methionine, which is neutral and non-polar, at codon 323 of the NTRK2 protein (p.Ile323Met). This variant is present in population databases (rs200564196, gnomAD 0.004%). This variant has not been reported in the literature in individuals affected with NTRK2-related conditions. ClinVar contains an entry for this variant (Variation ID: 1357755). Invitae Evidence Modeling of protein sequence and biophysical properties (such as structural, functional, and spatial information, amino acid conservation, physicochemical variation, residue mobility, and thermodynamic stability) indicates that this missense variant is not expected to disrupt NTRK2 protein function with a negative predictive value of 80%. In summary, the available evidence is currently insufficient to determine the role of this variant in disease. Therefore, it has been classified as a Variant of Uncertain Significance.

Ambry Genetics
Classification: Uncertain significance for Inborn genetic diseases. Last evaluated: 2024-05-29. Review status: criteria provided, single submitter. Criteria: Ambry Variant Classification Scheme 2023. Collection method: clinical testing. Allele origin: germline.

Blueprint Genetics
Classification: Likely benign. Last evaluated: 2022-10-31. Review status: criteria provided, single submitter. Criteria: ACMG Guidelines, 2015. Collection method: clinical testing. Allele origin: germline.

Cambridge Genomics Laboratory, East Genomic Laboratory Hub, NHS Genomic Medicine Service
Classification: Uncertain significance for Intellectual disability. Last evaluated: 2020-04-27. Review status: criteria provided, single submitter. Criteria: ACGS Best Practice Guidelines for Variant Classification in Rare Disease 2020. Collection method: clinical testing. Allele origin: germline. Affected: yes. Observed: 1 variant allele.

NM_006180.6(NTRK2):c.969A>G (p.Ile323Met)

Gene: NTRK2 (neurotrophic receptor tyrosine kinase 2; plus strand). Cytogenetic location: 9q21.33.
Variant type: single nucleotide variant.
Coding change: c.969A>G on transcript NM_006180.6 (MANE Select); coding-DNA position 969, A replaced by G.
Protein change: p.Ile323Met; replaces isoleucine 323 with methionine.
Molecular consequence: missense variant.
Genome position (GRCh38, 1-based): chr9:84,727,769, A>G. VCF-style: chr9-84727769-A-G. GRCh37 (hg19) VCF-style: chr9-87342684-A-G.
Other names: c.969A>G, p.Ile323Met (NM_001007097.3, NM_001018064.3, NM_001018065.2 and 16 more transcripts); c.930A>G, p.Ile310Met (NM_001291937.2, NM_001369546.1); c.501A>G, p.Ile167Met (NM_001369535.1, NM_001369536.1, NM_001369551.1 and 2 more transcripts); c.969A>G (NM_006180.4, NM_006180.3); short protein forms I310M, I323M, I167M.
Identifiers: ClinVar variation 1357755 (VCV001357755.12), dbSNP rs200564196, ClinGen allele CA5105608.
Genomic context (GRCh38, chr9:84,727,769, plus strand): 5'-TCCATTCACTGTGAAAGGCAACCCCAAACCAGCGCTTCAGTGGTTCTATAACGGGGCAAT[A>G]TTGAATGAGTCCAAATACATCTGTACTAAAATACATGTTACCAATCACACGGAGTACCAC-3'
Protein context (NP_006171.2, residues 313-333): PALQWFYNGA[Ile323Met]LNESKYICTK